The following is an entry in ClinVar:

NM_001330360.2(POLA1):c.2831T>C (p.Leu944Pro)

Gene: POLA1 (DNA polymerase alpha 1, catalytic subunit; plus strand). Cytogenetic location: Xp22.11.
Variant type: single nucleotide variant.
Coding change: c.2831T>C on transcript NM_001330360.2 (MANE Select); coding-DNA position 2831, T replaced by C.
Protein change: p.Leu944Pro; replaces leucine 944 with proline.
Molecular consequence: missense variant. On other transcripts: non-coding transcript variant (2).
Genome position (GRCh38, 1-based): chrX:24,748,450, T>C. VCF-style: chrX-24748450-T-C. GRCh37 (hg19) VCF-style: chrX-24766567-T-C.
Other names: c.2756T>C, p.Leu919Pro (NM_001378303.1); c.2813T>C, p.Leu938Pro (NM_016937.4); short protein forms L919P, L938P, L944P.
Identifiers: ClinVar variation 1700930 (VCV001700930.2), dbSNP rs2148405118, ClinGen allele CA412539267.

ClinVar aggregate classification (germline): Uncertain significance (1 of 4 stars; one submission).

Submission:

GeneDx
Classification: Uncertain significance. Last evaluated: 2022-02-10. Review status: criteria provided, single submitter. Criteria: GeneDx Variant Classification Process June 2021. Collection method: clinical testing. Allele origin: germline. Affected: yes.
Comment: Not observed at significant frequency in large population cohorts (gnomAD); In silico analysis supports that this missense variant has a deleterious effect on protein structure/function; Has not been previously published as pathogenic or benign to our knowledge